The following is an entry in ClinVar:

ClinVar aggregate classification (germline): Uncertain significance (1 of 4 stars; one submission).

Conditions:
Smith-Lemli-Opitz syndrome (SLOS). Also called: POLYDACTYLY, SEX REVERSAL, RENAL HYPOPLASIA, AND UNILOBAR LUNG; RSH SYNDROME; RUTLEDGE LETHAL MULTIPLE CONGENITAL ANOMALY SYNDROME; LETHAL ACRODYSGENITAL SYNDROME; 7-Dehydrocholesterol reductase deficiency. Identifiers: Orphanet 818, MedGen C0175694, MONDO:0010035, OMIM 270400.

Submission:

Labcorp Genetics (formerly Invitae), Labcorp
Classification: Uncertain significance for Smith-Lemli-Opitz syndrome. Last evaluated: 2025-05-05. Review status: criteria provided, single submitter. Criteria: Invitae Variant Classification Sherloc (09022015). Collection method: clinical testing. Allele origin: germline.
Comment: This sequence change replaces serine, which is neutral and polar, with alanine, which is neutral and non-polar, at codon 166 of the DHCR7 protein (p.Ser166Ala). This variant is not present in population databases (gnomAD no frequency). This variant has not been reported in the literature in individuals affected with DHCR7-related conditions. ClinVar contains an entry for this variant (Variation ID: 2156818). Invitae Evidence Modeling of protein sequence and biophysical properties (such as structural, functional, and spatial information, amino acid conservation, physicochemical variation, residue mobility, and thermodynamic stability) indicates that this missense variant is not expected to disrupt DHCR7 protein function with a negative predictive value of 95%. In summary, the available evidence is currently insufficient to determine the role of this variant in disease. Therefore, it has been classified as a Variant of Uncertain Significance.

NM_001360.3(DHCR7):c.496T>G (p.Ser166Ala)

Gene: DHCR7 (7-dehydrocholesterol reductase; minus strand). Cytogenetic location: 11q13.4.
Variant type: single nucleotide variant.
Coding change: c.496T>G on transcript NM_001360.3 (MANE Select); coding-DNA position 496, T replaced by G.
Protein change: p.Ser166Ala; replaces serine 166 with alanine.
Molecular consequence: missense variant.
Genome position (GRCh38, 1-based): chr11:71,441,357, A>C on the plus strand (T>G on the coding strand, the complement: DHCR7 is on the minus strand). VCF-style: chr11-71441357-A-C. GRCh37 (hg19) VCF-style: chr11-71152403-A-C.
Other names: c.496T>G, p.Ser166Ala (NM_001163817.2); short protein forms S166A.
Identifiers: ClinVar variation 2156818 (VCV002156818.4), dbSNP rs2539228230, ClinGen allele CA381694559.